The following is an entry in ClinVar:

ClinVar aggregate classification (germline): Uncertain significance (1 of 4 stars; one submission).

Conditions:
Glycogen storage disease type III (GSD3). Also called: Cori disease; FORBES DISEASE. Identifiers: Orphanet 366, MedGen C0017922, MONDO:0009291, OMIM 232400.

Allele frequency attached by ClinVar (database versions not stated): gnomAD exomes 0.00001.
gnomAD v4.1: 4 of 1,613,560 alleles (0.00025%); highest among the groups gnomAD compares: Admixed American, 0.0067%; no homozygotes.

Submission:

Labcorp Genetics (formerly Invitae), Labcorp
Classification: Uncertain significance for Glycogen storage disease type III. Last evaluated: 2021-08-24. Review status: criteria provided, single submitter. Criteria: Invitae Variant Classification Sherloc (09022015). Collection method: clinical testing. Allele origin: germline.
Comment: This sequence change replaces glutamic acid with aspartic acid at codon 74 of the AGL protein (p.Glu74Asp). The glutamic acid residue is moderately conserved and there is a small physicochemical difference between glutamic acid and aspartic acid. This variant is not present in population databases (ExAC no frequency). This variant has not been reported in the literature in individuals affected with AGL-related conditions. Algorithms developed to predict the effect of missense changes on protein structure and function (SIFT, PolyPhen-2, Align-GVGD) all suggest that this variant is likely to be tolerated. In summary, the available evidence is currently insufficient to determine the role of this variant in disease. Therefore, it has been classified as a Variant of Uncertain Significance.

NM_000642.3(AGL):c.222A>T (p.Glu74Asp)

Gene: AGL (amylo-alpha-1,6-glucosidase and 4-alpha-glucanotransferase; plus strand). Cytogenetic location: 1p21.2.
Variant type: single nucleotide variant.
Coding change: c.222A>T on transcript NM_000642.3 (MANE Select); coding-DNA position 222, A replaced by T.
Protein change: p.Glu74Asp; replaces glutamic acid 74 with aspartic acid.
Molecular consequence: missense variant.
Genome position (GRCh38, 1-based): chr1:99,861,642, A>T. VCF-style: chr1-99861642-A-T. GRCh37 (hg19) VCF-style: chr1-100327198-A-T.
Other names: c.222A>T, p.Glu74Asp (NM_000028.3, NM_000643.3, NM_000644.3 and 5 more transcripts); c.174A>T, p.Glu58Asp (NM_000646.3); short protein forms E58D, E74D.
Identifiers: ClinVar variation 1022873 (VCV001022873.2), dbSNP rs1264891129, ClinGen allele CA341329559.